The following is an entry in ClinVar:

NM_001042492.3(NF1):c.5335_5364dup (p.Ile1788_Glu1789insLeuAsnAspIleTyrTyrAlaSerGluIle)

Gene: NF1 (neurofibromin 1; plus strand). Cytogenetic location: 17q11.2.
Variant type: Duplication.
Coding change: c.5335_5364dup on transcript NM_001042492.3 (MANE Select); coding-DNA positions 5335 to 5364, 30 bases duplicated (CTAAATGACATTTATTATGCTTCGGAAATT).
Protein change: p.Ile1788_Glu1789insLeuAsnAspIleTyrTyrAlaSerGluIle.
Molecular consequence: inframe insertion. On other transcripts: inframe indel (1).
Genome position (GRCh38, 1-based): chr17:31,327,565-31,327,594, CTAAATGACATTTATTATGCTTCGGAAATT duplicated; duplicating any 30 consecutive bases within chr17:31,327,563-31,327,594 gives the same sequence; the c. name uses the placement nearest the transcript's 3' end. VCF-style (leftmost placement, unchanged base first): chr17-31327562-T-TTTCTAAATGACATTTATTATGCTTCGGAAA. GRCh37 (hg19) VCF-style: chr17-29654580-T-TTTCTAAATGACATTTATTATGCTTCGGAAA.
Other names: c.5272_5301dup, p.Ile1767_Glu1768insLeuAsnAspIleTyrTyrAlaSerGluIle (NM_000267.4).
Identifiers: ClinVar variation 3728135 (VCV003728135.2).
Genomic context (GRCh38, chr17:31,327,562, plus strand): 5'-GGTTCTACTGCTGTCCAAGTAACTTCAGCAGAGCGAACAAAAGTCCTAGGGCAATCAGTC[T>TTTCTAAATGACATTTATTATGCTTCGGAAA]TTCTAAATGACATTTATTATGCTTCGGAAATTGAAGAAATCTGCCTAGTAGATGAGAACC-3'

ClinVar aggregate classification (germline): Likely pathogenic (1 of 4 stars; one submission).

Conditions:
Neurofibromatosis, type 1 (NF1). Also called: NEUROFIBROMATOSIS, TYPE I, SOMATIC; Peripheral type neurofibromatosis; Neurofibromatosis, type I; VON RECKLINGHAUSEN DISEASE. Identifiers: Orphanet 636, MedGen C0027831, MONDO:0018975, OMIM 162200. Disease mechanism: loss of function.

Submission:

Labcorp Genetics (formerly Invitae), Labcorp
Classification: Likely pathogenic for Neurofibromatosis, type 1. Last evaluated: 2025-03-18. Review status: criteria provided, single submitter. Criteria: Invitae Variant Classification Sherloc (09022015). Collection method: clinical testing. Allele origin: germline.
Comment: This variant, c.5272_5301dup, results in the insertion of 10 amino acid(s) of the NF1 protein (p.Leu1758_Ile1767dup), but otherwise preserves the integrity of the reading frame. This variant is not present in population databases (gnomAD no frequency). This variant has been observed in individual(s) with clinical features of NF1-related conditions (internal data). In at least one individual the variant was observed to be de novo. In summary, the currently available evidence indicates that the variant is pathogenic, but additional data are needed to prove that conclusively. Therefore, this variant has been classified as Likely Pathogenic.